The following is an entry in ClinVar:

ClinVar aggregate classification (germline): Benign/Likely benign. Review status: criteria provided, multiple submitters, no conflicts (2 of 4 stars). 6 submissions from 6 submitters: Benign (1); Likely benign (4). 1 of the submissions does not count toward it. Last evaluated 2026-09-01.

Conditions:
Niemann-Pick disease, type C1. Also called: NEUROVISCERAL STORAGE DISEASE WITH VERTICAL SUPRANUCLEAR OPHTHALMOPLEGIA; NIEMANN-PICK DISEASE WITH CHOLESTEROL ESTERIFICATION BLOCK; NIEMANN-PICK DISEASE WITHOUT SPHINGOMYELINASE DEFICIENCY; NIEMANN-PICK DISEASE, CHRONIC NEURONOPATHIC FORM; NIEMANN-PICK DISEASE, VARIANT TYPE C1. Identifiers: Orphanet 646, MedGen C3179455, MONDO:0009757, OMIM 257220.
Inborn genetic diseases. Identifiers: MedGen C0950123, MeSH D030342.

Allele frequency attached by ClinVar (database versions not stated): 1000 Genomes Project 0.00339; 1000 Genomes Project 30x 0.00344; ESP Exome Variant Server 0.00369; gnomAD exomes 0.00389 and 0.00502; ExAC 0.00396; gnomAD 0.00410 and 0.00420; TOPMed 0.00424.
gnomAD v4.1: 7,314 of 1,488,830 alleles (0.49%); highest among the groups gnomAD compares: Non-Finnish European, 0.61%; 22 homozygotes.

Submissions (6):

CeGaT Center for Human Genetics Tuebingen
Classification: Likely benign. Last evaluated: 2026-09-01. Review status: criteria provided, single submitter. Criteria: CeGaT Center For Human Genetics Tuebingen Variant Classification Criteria Version 2. Collection method: clinical testing. Allele origin: germline. Affected: yes. Observed: 28 variant alleles.
Comment: NPC1: BS2

Ambry Genetics
Classification: Likely benign for Inborn genetic diseases. Last evaluated: 2025-04-15. Review status: criteria provided, single submitter. Criteria: Ambry Variant Classification Scheme 2023. Collection method: clinical testing. Allele origin: germline.

Labcorp Genetics (formerly Invitae), Labcorp
Classification: Benign for Niemann-Pick disease, type C1. Last evaluated: 2023-11-06. Review status: criteria provided, single submitter. Criteria: Invitae Variant Classification Sherloc (09022015). Collection method: clinical testing. Allele origin: germline.

Fulgent Genetics
Classification: Likely benign for Niemann-Pick disease, type C1. Last evaluated: 2021-08-18. Review status: criteria provided, single submitter. Criteria: ACMG Guidelines, 2015. Collection method: clinical testing. Allele origin: unknown.

Breakthrough Genomics
Classification: Likely benign. Review status: criteria provided, single submitter. Criteria: ACMG Guidelines, 2015. Collection method: not provided. Allele origin: germline. Inheritance: Autosomal recessive inheritance. Affected: yes.

Natera, Inc.
Classification: Benign for Niemann-Pick disease type C1. Last evaluated: 2020-09-16. Review status: no assertion criteria provided. Collection method: clinical testing. Allele origin: germline. Not counted in ClinVar's aggregate classification.

NM_000271.5(NPC1):c.882-40T>A

Gene: NPC1 (NPC intracellular cholesterol transporter 1; minus strand). Cytogenetic location: 18q11.2.
Variant type: single nucleotide variant.
Coding change: c.882-40T>A on transcript NM_000271.5 (MANE Select); 40 bases into the intron before coding-DNA position 882, T replaced by A.
Molecular consequence: intron variant.
Genome position (GRCh38, 1-based): chr18:23,557,230, A>T on the plus strand (T>A on the coding strand, the complement: NPC1 is on the minus strand). VCF-style: chr18-23557230-A-T. GRCh37 (hg19) VCF-style: chr18-21137194-A-T.
Identifiers: ClinVar variation 702571 (VCV000702571.46), dbSNP rs144469784, ClinGen allele CA8913611.
Genomic context (GRCh38, chr18:23,557,230, plus strand): 5'-TCGGAGACAAAATACCGTTTTCTGAAAAACAGAAGTGAAGAAATAGCATTAGTGGACTTC[A>T]TCACAGTGAGGTTGTTTTTGGGACATTCCTGTAATCCCATGAAATGCTTTCTTCCTCCTC-3'